The following is an entry in ClinVar:

ClinVar aggregate classification (germline): Uncertain significance (1 of 4 stars; one submission).

Conditions:
RYR1-related disorder. Also called: RYR1-related condition; RYR1-related disorders. Identifiers: MedGen CN239331.

Allele frequency attached by ClinVar (database versions not stated): gnomAD exomes below 0.00001; ExAC 0.00001.

Submission:

Labcorp Genetics (formerly Invitae), Labcorp
Classification: Uncertain significance for RYR1-related disorder. Last evaluated: 2021-09-18. Review status: criteria provided, single submitter. Criteria: Invitae Variant Classification Sherloc (09022015). Collection method: clinical testing. Allele origin: germline.
Comment: This variant has not been reported in the literature in individuals affected with RYR1-related conditions. This variant is present in population databases (rs771433606, ExAC 0.02%). This sequence change replaces proline with arginine at codon 436 of the RYR1 protein (p.Pro436Arg). The proline residue is moderately conserved and there is a moderate physicochemical difference between proline and arginine. Advanced modeling of protein sequence and biophysical properties (such as structural, functional, and spatial information, amino acid conservation, physicochemical variation, residue mobility, and thermodynamic stability) performed at Invitae indicates that this missense variant is expected to disrupt RYR1 protein function. In summary, the available evidence is currently insufficient to determine the role of this variant in disease. Therefore, it has been classified as a Variant of Uncertain Significance.

NM_000540.3(RYR1):c.1307C>G (p.Pro436Arg)

Gene: RYR1 (ryanodine receptor 1; plus strand). Cytogenetic location: 19q13.2.
Variant type: single nucleotide variant.
Coding change: c.1307C>G on transcript NM_000540.3 (MANE Select); coding-DNA position 1307, C replaced by G.
Protein change: p.Pro436Arg; replaces proline 436 with arginine.
Molecular consequence: missense variant.
Genome position (GRCh38, 1-based): chr19:38,452,881, C>G. VCF-style: chr19-38452881-C-G. GRCh37 (hg19) VCF-style: chr19-38943521-C-G.
Other names: c.1307C>G, p.Pro436Arg (NM_001042723.2); short protein forms P436R.
Identifiers: ClinVar variation 1361270 (VCV001361270.6), dbSNP rs771433606, ClinGen allele CA059572.